The following is an entry in ClinVar:

ClinVar aggregate classification (germline): Uncertain significance (1 of 4 stars; one submission).

Conditions:
PCNT-related disorder. Also called: PCNT-related condition.

gnomAD v4.1: 2 of 1,596,698 alleles (0.00013%); highest among the groups gnomAD compares: South Asian, 0.0011%; no homozygotes.

Submission:

PreventionGenetics, part of Exact Sciences
Classification: Uncertain significance for PCNT-related condition. Last evaluated: 2026-08-13. Review status: criteria provided, single submitter. Criteria: ACMG Guidelines, 2015. Collection method: clinical testing. Allele origin: germline.
Comment: The PCNT c.4510G>A variant is predicted to result in the amino acid substitution p.Gly1504Arg. To our knowledge, this variant has not been reported in the literature or in a large population database (gnomAD), indicating this variant is rare. At this time, the clinical significance of this variant is uncertain due to the absence of conclusive functional and genetic evidence.

NM_006031.6(PCNT):c.4510G>A (p.Gly1504Arg)

Gene: PCNT (pericentrin; plus strand). Cytogenetic location: 21q22.3.
Variant type: single nucleotide variant.
Coding change: c.4510G>A on transcript NM_006031.6 (MANE Select); coding-DNA position 4510, G replaced by A.
Protein change: p.Gly1504Arg; replaces glycine 1504 with arginine.
Molecular consequence: missense variant.
Genome position (GRCh38, 1-based): chr21:46,398,077, G>A. VCF-style: chr21-46398077-G-A. GRCh37 (hg19) VCF-style: chr21-47817991-G-A.
Other names: c.4156G>A, p.Gly1386Arg (NM_001315529.2); short protein forms G1504R, G1386R.
Identifiers: ClinVar variation 4992482 (VCV004992482.1).